The following is an entry in ClinVar:

NM_030632.3(ASXL3):c.4211_4212del (p.Thr1404fs)

Gene: ASXL3 (ASXL transcriptional regulator 3; plus strand). Cytogenetic location: 18q12.1.
Variant type: Microsatellite.
Coding change: c.4211_4212del on transcript NM_030632.3 (MANE Select); coding-DNA positions 4211 to 4212, 2 bases deleted (CA; older notation c.4211_4212delCA).
Protein change: p.Thr1404fs; shifts the reading frame from threonine 1404.
Molecular consequence: frameshift variant.
Genome position (GRCh38, 1-based): chr18:33,744,059-33,744,060, CA deleted; deleting any 2 consecutive bases within chr18:33,744,057-33,744,060 gives the same sequence; the c. name uses the placement nearest the transcript's 3' end. VCF-style (leftmost placement, unchanged base first): chr18-33744056-TCA-T. GRCh37 (hg19) VCF-style: chr18-31324020-TCA-T.
Other names: c.4211_4212del (NM_030632.1); short protein forms T1404fs.
Identifiers: ClinVar variation 450046 (VCV000450046.8), dbSNP rs1555744175, ClinGen allele CA658656736.

ClinVar aggregate classification (germline): Pathogenic. Review status: criteria provided, multiple submitters, no conflicts (2 of 4 stars). 3 submissions from 3 submitters: Pathogenic (2). 1 of the submissions does not count toward it. Last evaluated 2024-11-22.

Conditions:
Bainbridge-Ropers syndrome. Also called: Severe feeding difficulties-failure to thrive-microcephaly due to ASXL3 deficiency syndrome. Identifiers: Orphanet 352577, MedGen C4750837, MONDO:0014205, OMIM 615485.

Submissions (3):

GeneDx
Classification: Pathogenic. Last evaluated: 2024-11-22. Review status: criteria provided, single submitter. Criteria: GeneDx Variant Classification Process June 2021. Collection method: clinical testing. Allele origin: germline. Affected: yes.
Comment: Frameshift variant predicted to result in abnormal protein length as the last 845 amino acid(s) are replaced with 22 different amino acid(s), and other similar variants have been reported in HGMD; Not observed at significant frequency in large population cohorts (gnomAD); This variant is associated with the following publications: (PMID: 35982159, 34758253, 33057194, 34615535)

MGZ Medical Genetics Center
Classification: Pathogenic for Bainbridge-Ropers syndrome. Last evaluated: 2021-10-25. Review status: criteria provided, single submitter. Criteria: ACMG Guidelines, 2015. Collection method: clinical testing. Allele origin: germline. Affected: yes. Observed: 1 variant allele.
Comment: ACMG criteria applied: PVS1, PS2, PM2_SUP

Genomics England Pilot Project, Genomics England
Classification: Pathogenic for Bainbridge-Ropers syndrome. Review status: no assertion criteria provided. Criteria: ACGS Guidelines, 2016. Collection method: clinical testing. Allele origin: germline. Affected: yes. Not counted in ClinVar's aggregate classification.